The following is an entry in ClinVar:

ClinVar aggregate classification (germline): Uncertain significance (1 of 4 stars; one submission).

Submission:

Labcorp Genetics (formerly Invitae), Labcorp
Classification: Uncertain significance. Last evaluated: 2025-12-31. Review status: criteria provided, single submitter. Criteria: Invitae Variant Classification Sherloc (09022015). Collection method: clinical testing. Allele origin: germline.
Comment: This sequence change replaces glutamic acid, which is acidic and polar, with lysine, which is basic and polar, at codon 428 of the TNFAIP3 protein (p.Glu428Lys). This variant is present in population databases (rs774307803, gnomAD 0.0009%). This variant has not been reported in the literature in individuals affected with TNFAIP3-related conditions. Invitae Evidence Modeling of protein sequence and biophysical properties (such as structural, functional, and spatial information, amino acid conservation, physicochemical variation, residue mobility, and thermodynamic stability) indicates that this missense variant is not expected to disrupt TNFAIP3 protein function with a negative predictive value of 80%. In summary, the available evidence is currently insufficient to determine the role of this variant in disease. Therefore, it has been classified as a Variant of Uncertain Significance.

NM_001270508.2(TNFAIP3):c.1282G>A (p.Glu428Lys)

Gene: TNFAIP3 (TNF alpha induced protein 3; plus strand). Cytogenetic location: 6q23.3.
Variant type: single nucleotide variant.
Coding change: c.1282G>A on transcript NM_001270508.2 (MANE Select); coding-DNA position 1282, G replaced by A.
Protein change: p.Glu428Lys; replaces glutamic acid 428 with lysine.
Molecular consequence: missense variant.
Genome position (GRCh38, 1-based): chr6:137,878,727, G>A. VCF-style: chr6-137878727-G-A. GRCh37 (hg19) VCF-style: chr6-138199864-G-A.
Other names: c.1282G>A, p.Glu428Lys (NM_001270507.2, NM_006290.4); short protein forms E428K.
Identifiers: ClinVar variation 4781019 (VCV004781019.1).